The following is an entry in ClinVar:

NM_007294.4(BRCA1):c.5083T>C (p.Phe1695Leu)

Gene: BRCA1 (BRCA1 DNA repair associated; minus strand). Cytogenetic location: 17q21.31.
Variant type: single nucleotide variant.
Coding change: c.5083T>C on transcript NM_007294.4 (MANE Select); coding-DNA position 5083, T replaced by C.
Protein change: p.Phe1695Leu; replaces phenylalanine 1695 with leucine.
Molecular consequence: missense variant. On other transcripts: non-coding transcript variant (1).
Genome position (GRCh38, 1-based): chr17:43,063,943, A>G on the plus strand (T>C on the coding strand, the complement: BRCA1 is on the minus strand). VCF-style: chr17-43063943-A-G. GRCh37 (hg19) VCF-style: chr17-41215960-A-G.
Other names: c.4870T>C, p.Phe1624Leu (NM_001407571.1, NM_001407904.1, NM_001407906.1 and 12 more transcripts); c.5149T>C, p.Phe1717Leu (NM_001407581.1, NM_001407582.1); c.5146T>C, p.Phe1716Leu (NM_001407583.1, NM_001407585.1, NM_001407587.1 and 1 more transcripts); c.5080T>C, p.Phe1694Leu (NM_001407610.1, NM_001407611.1, NM_001407612.1 and 17 more transcripts); c.5077T>C, p.Phe1693Leu (NM_001407629.1, NM_001407630.1, NM_001407631.1 and 14 more transcripts); c.5023T>C, p.Phe1675Leu (NM_001407649.1); c.5005T>C, p.Phe1669Leu (NM_001407653.1, NM_001407654.1, NM_001407655.1); c.5002T>C, p.Phe1668Leu (NM_001407656.1, NM_001407657.1, NM_001407658.1); and 71 more; short protein forms F1695L, F1716L, F1648L, F591L, F1623L, F1624L, F1626L, F1647L.
Identifiers: ClinVar variation 868624 (VCV000868624.12), dbSNP rs2051934276, ClinGen allele CA10591356.

ClinVar aggregate classification (germline): Conflicting classifications of pathogenicity. Review status: criteria provided, conflicting classifications (1 of 4 stars). 2 submissions from 2 submitters: Uncertain significance (1); Likely benign (1). Last evaluated 2025-06-16.

Conditions:
Hereditary breast ovarian cancer syndrome. Also called: Hereditary breast and ovarian cancer; Hereditary breast and ovarian cancer syndrome (HBOC); Breast and ovarian cancer; Hereditary breast and/or ovarian cancer syndrome; BRCA1- and BRCA2-Associated Hereditary Breast and Ovarian Cancer; Hereditary breast and ovarian cancer syndrome. Identifiers: Orphanet 145, MedGen C0677776, MeSH D061325, MONDO:0003582. Disease mechanism: loss of function.
Hereditary cancer-predisposing syndrome. Also called: Neoplastic Syndromes, Hereditary; Tumor predisposition; Hereditary Cancer Syndrome; Hereditary neoplastic syndrome. Identifiers: Orphanet 140162, MedGen C0027672, MeSH D009386, MONDO:0015356.

Allele frequency attached by ClinVar (database versions not stated): gnomAD exomes below 0.00001.
gnomAD v4.1: 2 of 1,614,098 alleles (0.00012%); highest among the groups gnomAD compares: Non-Finnish European, 0.00017%; no homozygotes.

Submissions (3):

Labcorp Genetics (formerly Invitae), Labcorp
Classification: Uncertain significance for Hereditary breast ovarian cancer syndrome. Last evaluated: 2025-06-16. Review status: criteria provided, single submitter. Criteria: Invitae Variant Classification Sherloc (09022015). Collection method: clinical testing. Allele origin: germline.
Comment: This sequence change replaces phenylalanine, which is neutral and non-polar, with leucine, which is neutral and non-polar, at codon 1695 of the BRCA1 protein (p.Phe1695Leu). This variant is not present in population databases (gnomAD no frequency). This missense change has been observed in individual(s) with breast cancer (PMID: 12827452). ClinVar contains an entry for this variant (Variation ID: 868624). Invitae Evidence Modeling incorporating data from in vitro experimental studies (PMID: 30209399) indicates that this missense variant is not expected to disrupt BRCA1 function with a negative predictive value of 95%. Experimental studies have shown that this missense change does not substantially affect BRCA1 function (PMID: 16528612, 20516115, 30209399, 30257991). In summary, the available evidence is currently insufficient to determine the role of this variant in disease. Therefore, it has been classified as a Variant of Uncertain Significance.

Ambry Genetics
Classification: Likely benign for Hereditary cancer-predisposing syndrome. Last evaluated: 2024-08-02. Review status: criteria provided, single submitter. Criteria: Ambry Variant Classification Scheme 2023. Collection method: clinical testing. Allele origin: germline.

Brotman Baty Institute, University of Washington
No classification provided (evidence only). Condition: Breast-ovarian cancer, familial 1. Review status: no classification provided. Collection method: in vitro. Allele origin: not applicable. Functional consequence: functionally_normal. Not counted in ClinVar's aggregate classification.
ClinVar note: "not provided" was previously submitted as the classification for the variant. However, the classification appeared to be based only on an observation of functional data so it was converted to no classification on 2025-07-30.

Literature cited by the submitters: PubMed 12827452 (cited by Labcorp Genetics (formerly Invitae), Labcorp); PubMed 30209399 (cited by Labcorp Genetics (formerly Invitae), Labcorp and Ambry Genetics); PubMed 16528612 (cited by Labcorp Genetics (formerly Invitae), Labcorp); PubMed 20516115 (cited by Labcorp Genetics (formerly Invitae), Labcorp); PubMed 30257991 (cited by Labcorp Genetics (formerly Invitae), Labcorp).